The following is an entry in ClinVar:

NM_001291867.2(NHS):c.1500C>T (p.Ser500=)

Gene: NHS (NHS actin remodeling regulator; plus strand). Cytogenetic location: Xp22.13.
Variant type: single nucleotide variant.
Coding change: c.1500C>T on transcript NM_001291867.2 (MANE Select); coding-DNA position 1500, C replaced by T.
Protein change: p.Ser500=; no amino-acid change (serine 500 retained).
Molecular consequence: synonymous variant.
Genome position (GRCh38, 1-based): chrX:17,725,606, C>T. VCF-style: chrX-17725606-C-T. GRCh37 (hg19) VCF-style: chrX-17743726-C-T.
Other names: c.969C>T, p.Ser323= (NM_001136024.4); c.906C>T, p.Ser302= (NM_001291868.2); c.1437C>T, p.Ser479= (NM_198270.4).
Identifiers: ClinVar variation 3050218 (VCV003050218.2), dbSNP rs371021798, ClinGen allele CA10358627.
Genomic context (GRCh38, chrX:17,725,606, plus strand): 5'-TGGCAACATTTCTGCCCTAGCAGACAAAGGTGACACCATGTTTACTCCTGCAGTGAGCAG[C>T]CGCACAAGATCTCGGAGCCTTCCCCGGGAAGGTAATAGAGGTGGGGATGCTGAGCCCAAA-3'
Protein context (NP_001278796.1, residues 490-510): GDTMFTPAVS[Ser500=]RTRSRSLPRE

ClinVar aggregate classification (germline): Likely benign (0 of 4 stars; one submission).

Conditions:
NHS-related disorder. Also called: NHS-related condition.

Allele frequency attached by ClinVar (database versions not stated): ExAC 0.00001; gnomAD 0.00004; TOPMed 0.00004; ESP Exome Variant Server 0.00009.
gnomAD v4.1: 4 of 1,209,712 alleles (0.00033%); highest among the groups gnomAD compares: African/African-American, 0.007%; no homozygotes.

Submission:

PreventionGenetics, part of Exact Sciences
Classification: Likely benign for NHS-related condition. Last evaluated: 2024-01-05. Review status: no assertion criteria provided. Collection method: clinical testing. Allele origin: germline.
Comment: This variant is classified as likely benign based on ACMG/AMP sequence variant interpretation guidelines (Richards et al. 2015 PMID: 25741868, with internal and published modifications).